The following is an entry in ClinVar:

NM_006015.6(ARID1A):c.3033G>T (p.Leu1011Phe)

Gene: ARID1A (AT-rich interaction domain 1A; plus strand). Cytogenetic location: 1p36.11.
Variant type: single nucleotide variant.
Coding change: c.3033G>T on transcript NM_006015.6 (MANE Select); coding-DNA position 3033, G replaced by T.
Protein change: p.Leu1011Phe; replaces leucine 1011 with phenylalanine.
Molecular consequence: missense variant.
Genome position (GRCh38, 1-based): chr1:26,767,834, G>T. VCF-style: chr1-26767834-G-T. GRCh37 (hg19) VCF-style: chr1-27094325-G-T.
Other names: c.3033G>T (LRG_875t1); c.3033G>T, p.Leu1011Phe (NM_139135.4); short protein forms L1011F.
Identifiers: ClinVar variation 452118 (VCV000452118.6), dbSNP rs1553152590, ClinGen allele CA339162984.
Genomic context (GRCh38, chr1:26,767,834, plus strand): 5'-GACCTGAACCTTCCAGAAATCCAGTTCTTCTACTACAACCAATGAGAAGATCACCAAGTT[G>T]TATGAGCTGGGTGGTGAGCCTGAGAGGAAGATGTGGGTGGACCGTTATCTGGCCTTCACT-3'
Protein context (NP_006006.3, residues 1001-1021): STTTNEKITK[Leu1011Phe]YELGGEPERK

ClinVar aggregate classification (germline): Pathogenic/Likely pathogenic. Review status: criteria provided, multiple submitters, no conflicts (2 of 4 stars). 3 submissions from 3 submitters: Pathogenic (1); Likely pathogenic (1). 1 of the submissions does not count toward it. Last evaluated 2025-02-21.

Conditions:
Intellectual disability, autosomal dominant 14 (CSS2). Also called: COFFIN-SIRIS SYNDROME 2. Identifiers: Orphanet 1465, MedGen C3553247, MONDO:0013819, OMIM 614607.
Coffin-Siris syndrome 1 (CSS1). Also called: Mental retardation, autosomal dominant 12; ARID1B-Related Coffin-Siris Syndrome. Identifiers: Orphanet 1465, MedGen C3281201, MONDO:0007617, OMIM 135900. Disease mechanism: gain of function.

Submissions (3):

GeneDx
Classification: Pathogenic. Last evaluated: 2025-02-21. Review status: criteria provided, single submitter. Criteria: GeneDx Variant Classification Process June 2021. Collection method: clinical testing. Allele origin: germline. Affected: yes.
Comment: Not observed at significant frequency in large population cohorts (gnomAD); In silico analysis supports that this missense variant has a deleterious effect on protein structure/function; This variant is associated with the following publications: (PMID: 35904121, 34580403, 37500730)

Institute of Human Genetics, University of Leipzig Medical Center
Classification: Likely pathogenic for Intellectual disability, autosomal dominant 14. Last evaluated: 2019-01-01. Review status: criteria provided, single submitter. Criteria: ACMG Guidelines, 2015. Collection method: clinical testing. Allele origin: de novo. Affected: yes.
Comment: This variant was identified as de novo.

Pediatric Genetics Clinic, Sheba Medical Center
Classification: Likely pathogenic for Coffin-Siris syndrome 1. Last evaluated: 2021-05-13. Review status: no assertion criteria provided. Collection method: clinical testing. Allele origin: de novo. Affected: yes. Observed: 1 heterozygote. Not counted in ClinVar's aggregate classification.